The following is an entry in ClinVar:

ClinVar aggregate classification (germline): Conflicting classifications of pathogenicity. Review status: criteria provided, conflicting classifications (1 of 4 stars). 6 submissions from 6 submitters: Uncertain significance (1); Benign (2); Likely benign (2). 1 of the submissions does not count toward it. Last evaluated 2026-01-01.

Conditions:
PITRM1-related disorder. Also called: PITRM1-related condition.

Allele frequency attached by ClinVar (database versions not stated): ExAC 0.00118; 1000 Genomes Project 30x 0.00219; 1000 Genomes Project 0.00220; gnomAD 0.00300 and 0.00324; ESP Exome Variant Server 0.00352; TOPMed 0.00354.
gnomAD v4.1: 1,004 of 1,603,666 alleles (0.063%); highest among the groups gnomAD compares: African/African-American, 1%; 9 homozygotes.

Submissions (6):

Labcorp Genetics (formerly Invitae), Labcorp
Classification: Benign. Last evaluated: 2026-01-01. Review status: criteria provided, single submitter. Criteria: Invitae Variant Classification Sherloc (09022015). Collection method: clinical testing. Allele origin: germline.

CeGaT Center for Human Genetics Tuebingen
Classification: Likely benign. Last evaluated: 2025-11-01. Review status: criteria provided, single submitter. Criteria: CeGaT Center For Human Genetics Tuebingen Variant Classification Criteria Version 2. Collection method: clinical testing. Allele origin: germline. Affected: yes. Observed: 3 variant alleles.
Comment: PITRM1: BP4, BS1

Ambry Genetics
Classification: Uncertain significance. Last evaluated: 2025-08-03. Review status: criteria provided, single submitter. Criteria: Ambry Variant Classification Scheme 2023. Collection method: clinical testing. Allele origin: germline.

Blueprint Genetics
Classification: Likely benign. Last evaluated: 2024-10-09. Review status: criteria provided, single submitter. Criteria: ACMG Guidelines, 2015. Collection method: clinical testing. Allele origin: germline.

Breakthrough Genomics
Classification: Benign. Review status: criteria provided, single submitter. Criteria: ACMG Guidelines, 2015. Collection method: not provided. Allele origin: germline. Inheritance: Autosomal recessive inheritance. Affected: yes.

PreventionGenetics, part of Exact Sciences
Classification: Benign for PITRM1-related condition. Last evaluated: 2020-02-26. Review status: no assertion criteria provided. Collection method: clinical testing. Allele origin: germline. Not counted in ClinVar's aggregate classification.
Comment: This variant is classified as benign based on ACMG/AMP sequence variant interpretation guidelines (Richards et al. 2015 PMID: 25741868, with internal and published modifications).

NM_014889.4(PITRM1):c.1271G>A (p.Arg424Gln)

Gene: PITRM1 (pitrilysin metallopeptidase 1; minus strand). Cytogenetic location: 10p15.2.
Variant type: single nucleotide variant.
Coding change: c.1271G>A on transcript NM_014889.4 (MANE Select); coding-DNA position 1271, G replaced by A.
Protein change: p.Arg424Gln; replaces arginine 424 with glutamine.
Molecular consequence: missense variant. On other transcripts: 5 prime UTR variant (1), non-coding transcript variant (4).
Genome position (GRCh38, 1-based): chr10:3,157,511, C>T on the plus strand (G>A on the coding strand, the complement: PITRM1 is on the minus strand). VCF-style: chr10-3157511-C-T. GRCh37 (hg19) VCF-style: chr10-3199703-C-T.
Other names: c.1271G>A (NM_001242307.1); c.1271G>A, p.Arg424Gln (NM_001242307.2, NM_001347725.2); c.656G>A, p.Arg219Gln (NM_001347726.2, NM_001347727.2); c.-35G>A (NM_001347728.2); c.1247G>A, p.Arg416Gln (NM_001347729.1, NM_001347730.1); c.1175G>A, p.Arg392Gln (NM_001242309.1); short protein forms R392Q, R424Q, R219Q, R416Q.
Identifiers: ClinVar variation 789609 (VCV000789609.37), dbSNP rs115840214, ClinGen allele CA5387856.
Genomic context (GRCh38, chr10:3,157,511, plus strand): 5'-CCAAAGCTGGTAGACTGATGTTTCATCTGTATTTCAATTTTATGAAGTAAAGCCTCAATT[C>T]GATCATCTTCAAATCCTTTCCTAAAGAATACAATGAAGAACAAAGATGGGCCAGACACAA-3'
Protein context (NP_055704.2, residues 414-434): EVVEKGFEDD[Arg424Gln]IEALLHKIEI